The following is an entry in ClinVar:

NM_002890.3(RASA1):c.402del (p.Pro136fs)

Gene: RASA1 (RAS p21 protein activator 1; plus strand). Cytogenetic location: 5q14.3.
Variant type: Deletion.
Coding change: c.402del on transcript NM_002890.3 (MANE Select); coding-DNA position 402, one base deleted (T; older notation c.402delT).
Protein change: p.Pro136fs; shifts the reading frame from proline 136.
Molecular consequence: frameshift variant.
Genome position (GRCh38, 1-based): chr5:87,268,853, T deleted; the last of 4 consecutive T bases (chr5:87,268,850-87,268,853); deleting any one gives the same sequence. VCF-style (leftmost placement, unchanged base first): chr5-87268849-GT-G. GRCh37 (hg19) VCF-style: chr5-86564666-GT-G.
Other names: short protein forms P136fs.
Identifiers: ClinVar variation 2893369 (VCV002893369.3), dbSNP rs2531003398, ClinGen allele CA2739274822.
Genomic context (GRCh38, chr5:87,268,849, plus strand): 5'-ACATGGCTCTCACCAAACTGCCCACTTCGTTGCTTGCTGAGACTCTCGGGCCAGGCGGCG[GT>G]TTTCCCCCTCTGCCCCCTCCCCCTTACCTGCCCCCTTTGGGGGCGGGCCTCGGGACAGTG-3'

ClinVar aggregate classification (germline): Pathogenic (1 of 4 stars; one submission).

Conditions:
Capillary malformation-arteriovenous malformation syndrome. Also called: Capillary malformation-arteriovenous malformation. Identifiers: Orphanet 137667, MedGen C1842180, MONDO:0012016.

Submission:

Labcorp Genetics (formerly Invitae), Labcorp
Classification: Pathogenic for Capillary malformation-arteriovenous malformation syndrome. Last evaluated: 2024-03-06. Review status: criteria provided, single submitter. Criteria: Invitae Variant Classification Sherloc (09022015). Collection method: clinical testing. Allele origin: germline.
Comment: This sequence change creates a premature translational stop signal (p.Pro136Leufs*38) in the RASA1 gene. It is expected to result in an absent or disrupted protein product. Loss-of-function variants in RASA1 are known to be pathogenic (PMID: 24038909). This variant is not present in population databases (gnomAD no frequency). This variant has not been reported in the literature in individuals affected with RASA1-related conditions. For these reasons, this variant has been classified as Pathogenic.

Literature cited by the submitters: PubMed 24038909.